The following is an entry in ClinVar:

ClinVar aggregate classification (germline): Benign. Review status: criteria provided, multiple submitters, no conflicts (2 of 4 stars). 3 submissions from 3 submitters: Benign (2). 1 of the submissions does not count toward it. Last evaluated 2026-02-04.

Conditions:
ARHGEF18-related disorder. Also called: ARHGEF18-related condition.

Allele frequency attached by ClinVar (database versions not stated): ExAC 0.77414; gnomAD 0.79780 and 0.79939; gnomAD exomes 0.75010 and 0.75887; TOPMed 0.80988; 1000 Genomes Project 0.83247; 1000 Genomes Project 30x 0.83448; ESP Exome Variant Server 0.80896.
gnomAD v4.1: 1,212,353 of 1,605,072 alleles (76%); highest among the groups gnomAD compares: African/African-American, 94%; 460,371 homozygotes.

Submissions (3):

Labcorp Genetics (formerly Invitae), Labcorp
Classification: Benign. Last evaluated: 2026-02-04. Review status: criteria provided, single submitter. Criteria: Invitae Variant Classification Sherloc (09022015). Collection method: clinical testing. Allele origin: germline.

Breakthrough Genomics
Classification: Benign. Review status: criteria provided, single submitter. Criteria: ACMG Guidelines, 2015. Collection method: not provided. Allele origin: germline. Inheritance: Autosomal recessive inheritance. Affected: yes.

PreventionGenetics, part of Exact Sciences
Classification: Benign for ARHGEF18-related condition. Last evaluated: 2019-10-16. Review status: no assertion criteria provided. Collection method: clinical testing. Allele origin: germline. Not counted in ClinVar's aggregate classification.
Comment: This variant is classified as benign based on ACMG/AMP sequence variant interpretation guidelines (Richards et al. 2015 PMID: 25741868, with internal and published modifications).

NM_001367823.1(ARHGEF18):c.2666A>G (p.Gln889Arg)

Gene: ARHGEF18 (Rho/Rac guanine nucleotide exchange factor 18; plus strand). Cytogenetic location: 19p13.2.
Variant type: single nucleotide variant.
Coding change: c.2666A>G on transcript NM_001367823.1 (MANE Select); coding-DNA position 2666, A replaced by G.
Protein change: p.Gln889Arg; replaces glutamine 889 with arginine.
Molecular consequence: missense variant.
Genome position (GRCh38, 1-based): chr19:7,463,848, A>G. VCF-style: chr19-7463848-A-G. GRCh37 (hg19) VCF-style: chr19-7528734-A-G.
Other names: c.1940A>G, p.Gln647Arg (NM_001130955.2); c.1628A>G, p.Gln543Arg (NM_001367824.1, NM_015318.4); c.2102A>G (NM_001130955.1); short protein forms Q543R, Q647R, Q889R.
Identifiers: ClinVar variation 1168776 (VCV001168776.12), dbSNP rs2287918, ClinGen allele CA9136939.